The following is an entry in ClinVar:

NM_001130009.3(GEN1):c.943A>G (p.Asn315Asp)

Gene: GEN1 (GEN1 structure-specific endonuclease; plus strand). Cytogenetic location: 2p24.2.
Variant type: single nucleotide variant.
Coding change: c.943A>G on transcript NM_001130009.3 (MANE Select); coding-DNA position 943, A replaced by G.
Protein change: p.Asn315Asp; replaces asparagine 315 with aspartic acid.
Molecular consequence: missense variant.
Genome position (GRCh38, 1-based): chr2:17,772,774, A>G. VCF-style: chr2-17772774-A-G. GRCh37 (hg19) VCF-style: chr2-17954041-A-G.
Other names: c.943A>G (NM_001130009.1); c.943A>G, p.Asn315Asp (NM_182625.5); short protein forms N315D.
Identifiers: ClinVar variation 3015762 (VCV003015762.4), dbSNP rs1204216263, ClinGen allele CA345917609.
Genomic context (GRCh38, chr2:17,772,774, plus strand): 5'-TGCTGTCCTTGTGAGTGGCACCGTACAGAACATGATAGGCAACTCAGTGAAGTAGAGAAC[A>G]ATATTAAGAAGTAAGTTTTTTTAAAAACTCATGATTTTTCCTGGCATGACCTATACACAT-3'
Protein context (NP_001123481.3, residues 305-325): HDRQLSEVEN[Asn315Asp]IKKKACCCEG

ClinVar aggregate classification (germline): Uncertain significance. Review status: criteria provided, multiple submitters, no conflicts (2 of 4 stars). 2 submissions from 2 submitters: Uncertain significance (2). Last evaluated 2024-12-02.

Allele frequency attached by ClinVar (database versions not stated): gnomAD exomes below 0.00001; gnomAD 0.00001.
gnomAD v4.1: 2 of 1,606,128 alleles (0.00012%); highest among the groups gnomAD compares: Non-Finnish European, 0.00017%; no homozygotes.

Submissions (2):

Ambry Genetics
Classification: Uncertain significance. Last evaluated: 2024-12-02. Review status: criteria provided, single submitter. Criteria: Ambry Variant Classification Scheme 2023. Collection method: clinical testing. Allele origin: germline.
Comment: The p.N315D variant (also known as c.943A>G), located in coding exon 7 of the GEN1 gene, results from an A to G substitution at nucleotide position 943. The asparagine at codon 315 is replaced by aspartic acid, an amino acid with highly similar properties. This amino acid position is conserved. In addition, this alteration is predicted to be tolerated by in silico analysis. Based on the available evidence, the clinical significance of this variant remains unclear.

Labcorp Genetics (formerly Invitae), Labcorp
Classification: Uncertain significance. Last evaluated: 2023-11-05. Review status: criteria provided, single submitter. Criteria: Invitae Variant Classification Sherloc (09022015). Collection method: clinical testing. Allele origin: germline.
Comment: This sequence change replaces asparagine, which is neutral and polar, with aspartic acid, which is acidic and polar, at codon 315 of the GEN1 protein (p.Asn315Asp). This variant is present in population databases (no rsID available, gnomAD 0.007%). This variant has not been reported in the literature in individuals affected with GEN1-related conditions. An algorithm developed to predict the effect of missense changes on protein structure and function (PolyPhen-2) suggests that this variant is likely to be tolerated. In summary, the available evidence is currently insufficient to determine the role of this variant in disease. Therefore, it has been classified as a Variant of Uncertain Significance.